The following is an entry in ClinVar:

NM_005685.4(GTF2IRD1):c.741C>T (p.Thr247=)

Gene: GTF2IRD1 (GTF2I repeat domain containing 1; plus strand). Cytogenetic location: 7q11.23.
Variant type: single nucleotide variant.
Coding change: c.741C>T on transcript NM_005685.4 (MANE Select); coding-DNA position 741, C replaced by T.
Protein change: p.Thr247=; no amino-acid change (threonine 247 retained).
Molecular consequence: synonymous variant.
Genome position (GRCh38, 1-based): chr7:74,519,544, C>T. VCF-style: chr7-74519544-C-T. GRCh37 (hg19) VCF-style: chr7-73933874-C-T.
Other names: c.837C>T (NM_001199207.1); c.837C>T, p.Thr279= (NM_001199207.2); c.741C>T, p.Thr247= (NM_016328.3).
Identifiers: ClinVar variation 750584 (VCV000750584.8), dbSNP rs200536132, ClinGen allele CA4296603.
Genomic context (GRCh38, chr7:74,519,544, plus strand): 5'-ACGGGACTGTGGCCTGCATGGCCAGGCCCCCAAGGTGCCACCCCAGGACCTGCCCCCAAC[C>T]GCCACCTCCTCCTCCATGGCCAGCTTCCTGTACAGCACGGCGCTCCCCAACCACGCCATC-3'
Protein context (NP_005676.3, residues 237-257): PKVPPQDLPP[Thr247=]ATSSSMASFL

ClinVar aggregate classification (germline): Benign/Likely benign. Review status: criteria provided, multiple submitters, no conflicts (2 of 4 stars). 4 submissions from 4 submitters: Benign (2); Likely benign (1). 1 of the submissions does not count toward it. Last evaluated 2024-09-12.

Conditions:
GTF2IRD1-related disorder. Also called: GTF2IRD1-related condition.

Allele frequency attached by ClinVar (database versions not stated): gnomAD 0.00020 and 0.00021; TOPMed 0.00027; ExAC 0.00036; 1000 Genomes Project 30x 0.00047; 1000 Genomes Project 0.00060.
gnomAD v4.1: 244 of 1,612,184 alleles (0.015%); highest among the groups gnomAD compares: East Asian, 0.22%; 2 homozygotes.

Submissions (4):

Blueprint Genetics
Classification: Likely benign. Last evaluated: 2024-09-12. Review status: criteria provided, single submitter. Criteria: ACMG Guidelines, 2015. Collection method: clinical testing. Allele origin: germline.

Labcorp Genetics (formerly Invitae), Labcorp
Classification: Benign. Last evaluated: 2019-12-31. Review status: criteria provided, single submitter. Criteria: Invitae Variant Classification Sherloc (09022015). Collection method: clinical testing. Allele origin: germline.

Breakthrough Genomics
Classification: Benign. Review status: criteria provided, single submitter. Criteria: ACMG Guidelines, 2015. Collection method: not provided. Allele origin: germline. Inheritance: Unknown mechanism. Affected: yes.

PreventionGenetics, part of Exact Sciences
Classification: Likely benign for GTF2IRD1-related condition. Last evaluated: 2019-02-20. Review status: no assertion criteria provided. Collection method: clinical testing. Allele origin: germline. Not counted in ClinVar's aggregate classification.
Comment: This variant is classified as likely benign based on ACMG/AMP sequence variant interpretation guidelines (Richards et al. 2015 PMID: 25741868, with internal and published modifications).